The following is an entry in ClinVar:

ClinVar aggregate classification (germline): Likely pathogenic. Review status: criteria provided, single submitter (1 of 4 stars). 2 submissions from 2 submitters: Likely pathogenic (1). 1 of the submissions does not count toward it. Last evaluated 2024-08-21.

Conditions:
CDKL5 disorder. Identifiers: MedGen CN296942, MONDO:0100039.
Atypical Rett syndrome. Also called: Rett like syndrome; Variant Rett Syndrome. Identifiers: Orphanet 3095, MedGen C2748910, MONDO:0017746.

Submissions (2):

Centre for Population Genomics, CPG
Classification: Likely pathogenic for CDKL5 disorder. Last evaluated: 2024-08-21. Review status: criteria provided, single submitter. Criteria: McKnight et al. (Hum Mutat. 2022). Collection method: curation. Allele origin: germline. Inheritance: X-linked inheritance.
Comment: This variant has been collected from RettBASE and curated to current modified ACMG/AMP criteria. Based on the classification scheme defined by the ClinGen Rett/Angelman-like Expert Panel for Rett/AS-like Disorders Specifications to the ACMG/AMP Variant Interpretation Guidelines VCEP 3.0, this variant is classified as likely pathogenic. At least the following criteria are met: Predicted to result in loss of function, and LOF is a known mechanism of disease (PVS1). This variant is absent from gnomAD (PM2_Supporting).

RettBASE
Classification: Pathogenic for Atypical Rett syndrome. Last evaluated: 2014-05-15. Review status: no assertion criteria provided. Collection method: curation. Allele origin: de novo. Affected: yes. Observed: 1 variant allele. Not counted in ClinVar's aggregate classification.

NM_001323289.2(CDKL5):c.2704C>T (p.Gln902Ter)

Gene: CDKL5 (cyclin dependent kinase like 5; plus strand). Cytogenetic location: Xp22.13.
Variant type: single nucleotide variant.
Coding change: c.2704C>T on transcript NM_001323289.2 (MANE Select); coding-DNA position 2704, C replaced by T.
Protein change: p.Gln902Ter; replaces glutamine 902 with a stop codon.
Molecular consequence: nonsense.
Genome position (GRCh38, 1-based): chrX:18,628,578, C>T. VCF-style: chrX-18628578-C-T. GRCh37 (hg19) VCF-style: chrX-18646698-C-T.
Other names: NM_001323289.2(CDKL5):c.2704C>T; p.Gln902Ter; c.2704C>T, p.Gln902Ter (NM_001037343.2, NM_003159.3); short protein forms Q902*.
Identifiers: ClinVar variation 189583 (VCV000189583.3), dbSNP rs786204981, ClinGen allele CA199394.